The following is an entry in ClinVar:

NM_016507.4(CDK12):c.749C>T (p.Pro250Leu)

Genes: CDK12 (cyclin dependent kinase 12; plus strand), LOC126862553 (CDK7 strongly-dependent group 2 enhancer GRCh37_chr17:37618166-37619365; plus strand). Cytogenetic location: 17q12.
Variant type: single nucleotide variant.
Coding change: c.749C>T on transcript NM_016507.4 (MANE Select); coding-DNA position 749, C replaced by T.
Protein change: p.Pro250Leu; replaces proline 250 with leucine.
Molecular consequence: missense variant.
Genome position (GRCh38, 1-based): chr17:39,462,820, C>T. VCF-style: chr17-39462820-C-T. GRCh37 (hg19) VCF-style: chr17-37619073-C-T.
Other names: c.749C>T, p.Pro250Leu (NM_015083.4); short protein forms P250L.
Identifiers: ClinVar variation 4868457 (VCV004868457.1).

ClinVar aggregate classification (germline): Uncertain significance (1 of 4 stars; one submission).

Submission:

Ambry Genetics
Classification: Uncertain significance. Last evaluated: 2026-03-23. Review status: criteria provided, single submitter. Criteria: Ambry Variant Classification Scheme 2023. Collection method: clinical testing. Allele origin: germline.
Comment: The p.P250L variant (also known as c.749C>T), located in coding exon 1 of the CDK12 gene, results from a C to T substitution at nucleotide position 749. The proline at codon 250 is replaced by leucine, an amino acid with similar properties. This amino acid position is conserved. In addition, this alteration is predicted to be tolerated by in silico analysis. Based on the available evidence, the clinical significance of this variant remains unclear.